The following is an entry in ClinVar:

NM_015338.6(ASXL1):c.1312G>C (p.Asp438His)

Gene: ASXL1 (ASXL transcriptional regulator 1; plus strand). Cytogenetic location: 20q11.21.
Variant type: single nucleotide variant.
Coding change: c.1312G>C on transcript NM_015338.6 (MANE Select); coding-DNA position 1312, G replaced by C.
Protein change: p.Asp438His; replaces aspartic acid 438 with histidine.
Molecular consequence: missense variant.
Genome position (GRCh38, 1-based): chr20:32,433,510, G>C. VCF-style: chr20-32433510-G-C. GRCh37 (hg19) VCF-style: chr20-31021313-G-C.
Other names: c.1129G>C, p.Asp377His (NM_001363734.1); short protein forms D438H, D377H.
Identifiers: ClinVar variation 3692671 (VCV003692671.2).
Genomic context (GRCh38, chr20:32,433,510, plus strand): 5'-ACCAGAGCCAGAAGGAATCTGTACAAAAAACAGGAGTCAGAACAAGCAGGGGTTGCTAAG[G>C]ATGCAAAATCTGTGGCCTCAGATGTTCCCCTCTACAAGGATGGGGAGGCTAAGACTGACC-3'
Protein context (NP_056153.2, residues 428-448): QESEQAGVAK[Asp438His]AKSVASDVPL

ClinVar aggregate classification (germline): Uncertain significance (1 of 4 stars; one submission).

Submission:

Labcorp Genetics (formerly Invitae), Labcorp
Classification: Uncertain significance. Last evaluated: 2024-08-20. Review status: criteria provided, single submitter. Criteria: Invitae Variant Classification Sherloc (09022015). Collection method: clinical testing. Allele origin: germline.
Comment: This sequence change replaces aspartic acid, which is acidic and polar, with histidine, which is basic and polar, at codon 438 of the ASXL1 protein (p.Asp438His). This variant is not present in population databases (gnomAD no frequency). This variant has not been reported in the literature in individuals affected with ASXL1-related conditions. An algorithm developed to predict the effect of missense changes on protein structure and function (PolyPhen-2) suggests that this variant is likely to be disruptive. In summary, the available evidence is currently insufficient to determine the role of this variant in disease. Therefore, it has been classified as a Variant of Uncertain Significance.